The following is an entry in ClinVar:

NM_000455.5(STK11):c.1126G>A (p.Glu376Lys)

Gene: STK11 (serine/threonine kinase 11; plus strand). Cytogenetic location: 19p13.3.
Variant type: single nucleotide variant.
Coding change: c.1126G>A on transcript NM_000455.5 (MANE Select); coding-DNA position 1126, G replaced by A.
Protein change: p.Glu376Lys; replaces glutamic acid 376 with lysine.
Molecular consequence: missense variant.
Genome position (GRCh38, 1-based): chr19:1,226,471, G>A. VCF-style: chr19-1226471-G-A. GRCh37 (hg19) VCF-style: chr19-1226470-G-A.
Other names: short protein forms E376K.
Identifiers: ClinVar variation 840580 (VCV000840580.11), dbSNP rs2080821683, ClinGen allele CA402953213.

ClinVar aggregate classification (germline): Uncertain significance. Review status: criteria provided, multiple submitters, no conflicts (2 of 4 stars). 2 submissions from 2 submitters: Uncertain significance (2). Last evaluated 2024-06-21.

Conditions:
Peutz-Jeghers syndrome (PJS). Also called: POLYPOSIS, HAMARTOMATOUS INTESTINAL; POLYPS-AND-SPOTS SYNDROME; Peutz-Jeghers polyposis; Periorificial lentiginosis syndrome. Identifiers: Orphanet 2869, MedGen C0031269, MeSH D010580, MONDO:0008280, OMIM 175200.
Hereditary cancer-predisposing syndrome. Also called: Neoplastic Syndromes, Hereditary; Hereditary neoplastic syndrome; Tumor predisposition; Hereditary Cancer Syndrome. Identifiers: Orphanet 140162, MedGen C0027672, MeSH D009386, MONDO:0015356.

Allele frequency attached by ClinVar (database versions not stated): gnomAD exomes below 0.00001.
gnomAD v4.1: 1 of 1,611,268 alleles (0.000062%); highest among the groups gnomAD compares: Non-Finnish European, 0.000085%; no homozygotes.

Submissions (2):

Labcorp Genetics (formerly Invitae), Labcorp
Classification: Uncertain significance for Peutz-Jeghers syndrome. Last evaluated: 2024-06-21. Review status: criteria provided, single submitter. Criteria: Invitae Variant Classification Sherloc (09022015). Collection method: clinical testing. Allele origin: germline.
Comment: This sequence change replaces glutamic acid, which is acidic and polar, with lysine, which is basic and polar, at codon 376 of the STK11 protein (p.Glu376Lys). This variant is not present in population databases (gnomAD no frequency). This variant has not been reported in the literature in individuals affected with STK11-related conditions. ClinVar contains an entry for this variant (Variation ID: 840580). Advanced modeling of protein sequence and biophysical properties (such as structural, functional, and spatial information, amino acid conservation, physicochemical variation, residue mobility, and thermodynamic stability) performed at Invitae indicates that this missense variant is not expected to disrupt STK11 protein function with a negative predictive value of 95%. In summary, the available evidence is currently insufficient to determine the role of this variant in disease. Therefore, it has been classified as a Variant of Uncertain Significance.

Ambry Genetics
Classification: Uncertain significance for Hereditary cancer-predisposing syndrome. Last evaluated: 2023-02-28. Review status: criteria provided, single submitter. Criteria: Ambry Variant Classification Scheme 2023. Collection method: clinical testing. Allele origin: germline.
Comment: The p.E376K variant (also known as c.1126G>A), located in coding exon 9 of the STK11 gene, results from a G to A substitution at nucleotide position 1126. The glutamic acid at codon 376 is replaced by lysine, an amino acid with similar properties. This amino acid position is conserved. In addition, this alteration is predicted to be tolerated by in silico analysis. Since supporting evidence is limited at this time, the clinical significance of this alteration remains unclear.